The following is an entry in ClinVar:

ClinVar aggregate classification (germline): Pathogenic/Likely pathogenic. Review status: criteria provided, multiple submitters, no conflicts (2 of 4 stars). 2 submissions from 2 submitters: Pathogenic (1); Likely pathogenic (1). Last evaluated 2022-01-07.

Conditions:
Microcephaly, normal intelligence and immunodeficiency (NBS). Also called: BERLIN BREAKAGE SYNDROME; Immunodeficiency, microcephaly with normal intelligence; IMMUNODEFICIENCY, MICROCEPHALY, AND CHROMOSOMAL INSTABILITY; SEEMANOVA SYNDROME II; Ataxia telangiectasia variant V1; Nijmegen breakage syndrome. Identifiers: Orphanet 647, MedGen C0398791, MONDO:0009623, OMIM 251260.

Submissions (2):

Myriad Genetics, Inc.
Classification: Likely pathogenic for Microcephaly, normal intelligence and immunodeficiency. Last evaluated: 2022-01-07. Review status: criteria provided, single submitter. Criteria: Myriad Women's Health Autosomal Recessive and X-Linked Classification Criteria (2021). Collection method: clinical testing. Allele origin: unknown.
Comment: NM_002485.4(NBN):c.1190C>A(S397*) is expected to be pathogenic in the context of Nijmegen breakage syndrome. This variant is predicted to lead to an abnormal or absent protein product due to the creation of a premature termination codon in NBN, a gene where loss-of-function variants are known to be pathogenic. Please note: this variant was assessed in the context of healthy population screening.

Labcorp Genetics (formerly Invitae), Labcorp
Classification: Pathogenic for Microcephaly, normal intelligence and immunodeficiency. Last evaluated: 2021-10-21. Review status: criteria provided, single submitter. Criteria: Invitae Variant Classification Sherloc (09022015). Collection method: clinical testing. Allele origin: germline.
Comment: This sequence change creates a premature translational stop signal (p.Ser397*) in the NBN gene. It is expected to result in an absent or disrupted protein product. Loss-of-function variants in NBN are known to be pathogenic (PMID: 9590180, 16415040). This variant is not present in population databases (ExAC no frequency). This variant has not been reported in the literature in individuals with NBN-related conditions. For these reasons, this variant has been classified as Pathogenic.

Literature cited by the submitters: PubMed 9590180 (cited by Labcorp Genetics (formerly Invitae), Labcorp); PubMed 16415040 (cited by Labcorp Genetics (formerly Invitae), Labcorp).

NM_002485.5(NBN):c.1190C>A (p.Ser397Ter)

Gene: NBN (nibrin; minus strand). Cytogenetic location: 8q21.3.
Variant type: single nucleotide variant.
Coding change: c.1190C>A on transcript NM_002485.5 (MANE Select); coding-DNA position 1190, C replaced by A.
Protein change: p.Ser397Ter; replaces serine 397 with a stop codon.
Molecular consequence: nonsense.
Genome position (GRCh38, 1-based): chr8:89,955,490, G>T on the plus strand (C>A on the coding strand, the complement: NBN is on the minus strand). VCF-style: chr8-89955490-G-T. GRCh37 (hg19) VCF-style: chr8-90967718-G-T.
Other names: c.944C>A, p.Ser315Ter (NM_001024688.3); short protein forms S315*, S397*.
Identifiers: ClinVar variation 1458212 (VCV001458212.8), dbSNP rs1554559308, ClinGen allele CA371656392.
Genomic context (GRCh38, chr8:89,955,490, plus strand): 5'-ACCATACTATTATTATTAGAGCTTGTTTTGCAGGACTCCTTTACAGTGGGTGCATCTTGT[G>T]AAAGCATTCTGAATTTTTGTTCCATTTTGGAGACTTTGATTTCTTTTGGCCTTTCACTCA-3'